The following is an entry in ClinVar:

NM_001376.5(DYNC1H1):c.10975dup (p.Arg3659fs)

Gene: DYNC1H1 (dynein cytoplasmic 1 heavy chain 1; plus strand). Cytogenetic location: 14q32.31.
Variant type: Duplication.
Coding change: c.10975dup on transcript NM_001376.5 (MANE Select); coding-DNA position 10975, one base duplicated (A; older notation c.10975dupA).
Protein change: p.Arg3659fs; shifts the reading frame from arginine 3659.
Molecular consequence: frameshift variant.
Genome position (GRCh38, 1-based): chr14:102,038,526, A duplicated. VCF-style (leftmost placement, unchanged base first): chr14-102038525-G-GA. GRCh37 (hg19) VCF-style: chr14-102504862-G-GA.
Other names: short protein forms R3659fs.
Identifiers: ClinVar variation 3358996 (VCV003358996.2).
Genomic context (GRCh38, chr14:102,038,525, plus strand): 5'-GGAAAGCTACGATCCAGTTTTGAACCCGGTGCTGAACCGTGAAGTGCGGCGAACAGGGGG[G>GA]AGAGTGCTGATCACTCTCGGGGACCAGGACATAGACCTGTCGCCATCGTTTGTCATCTTC-3'

ClinVar aggregate classification (germline): Pathogenic (1 of 4 stars; one submission).

Conditions:
Cortical dysplasia, complex, with other brain malformations 13. Also called: Intellectual disability, autosomal dominant 13. Identifiers: MedGen C3281202, MONDO:0013805, OMIM 614563.

Submission:

Institute of Human Genetics, University of Leipzig Medical Center
Classification: Pathogenic for Cortical dysplasia, complex, with other brain malformations 13. Last evaluated: 2024-07-05. Review status: criteria provided, single submitter. Criteria: ACMG Guidelines, 2015. Collection method: clinical testing. Allele origin: unknown. Inheritance: Autosomal dominant inheritance. Affected: yes.
Comment: Criteria applied: PVS1,PM2_MOD